The following is an entry in ClinVar:

ClinVar aggregate classification (germline): Benign/Likely benign. Review status: criteria provided, multiple submitters, no conflicts (2 of 4 stars). 12 submissions from 12 submitters: Benign (2); Likely benign (5). 5 of the submissions do not count toward it. Last evaluated 2026-08-01.

Conditions:
Left ventricular noncompaction 8 (LVNC8). Identifiers: Orphanet 154, Orphanet 54260, MedGen C3809288, MONDO:0014152, OMIM 615373.
PRDM16-related disorder. Also called: PRDM16-related condition.
Inborn genetic diseases. Identifiers: MedGen C0950123, MeSH D030342.

Allele frequency attached by ClinVar (database versions not stated): 1000 Genomes Project 30x 0.00016; 1000 Genomes Project 0.00020; gnomAD exomes 0.00059 and 0.00110; ExAC 0.00060; gnomAD 0.00060 and 0.00065; TOPMed 0.00074; ESP Exome Variant Server 0.00090.
gnomAD v4.1: 1,668 of 1,613,450 alleles (0.1%); highest among the groups gnomAD compares: Non-Finnish European, 0.14%; 2 homozygotes.

Submissions (12):

CeGaT Center for Human Genetics Tuebingen
Classification: Likely benign. Last evaluated: 2026-08-01. Review status: criteria provided, single submitter. Criteria: CeGaT Center For Human Genetics Tuebingen Variant Classification Criteria Version 2. Collection method: clinical testing. Allele origin: germline. Affected: yes. Observed: 3 variant alleles.
Comment: PRDM16: BP4, BP7

Labcorp Genetics (formerly Invitae), Labcorp
Classification: Benign for Left ventricular noncompaction 8. Last evaluated: 2026-01-15. Review status: criteria provided, single submitter. Criteria: Invitae Variant Classification Sherloc (09022015). Collection method: clinical testing. Allele origin: germline.

Blueprint Genetics
Classification: Likely benign. Last evaluated: 2024-11-21. Review status: criteria provided, single submitter. Criteria: ACMG Guidelines, 2015. Collection method: clinical testing. Allele origin: germline.

Ambry Genetics
Classification: Likely benign for Inborn genetic diseases. Last evaluated: 2023-05-31. Review status: criteria provided, single submitter. Criteria: Ambry Variant Classification Scheme 2023. Collection method: clinical testing. Allele origin: germline.

Women's Health and Genetics/Laboratory Corporation of America, LabCorp
Classification: Benign. Last evaluated: 2023-04-21. Review status: criteria provided, single submitter. Criteria: LabCorp Variant Classification Summary - May 2015. Collection method: clinical testing. Allele origin: germline.

GeneDx
Classification: Likely benign. Last evaluated: 2021-02-15. Review status: criteria provided, single submitter. Criteria: GeneDx Variant Classification Process June 2021. Collection method: clinical testing. Allele origin: germline. Affected: yes.

Laboratory for Molecular Medicine, Mass General Brigham Personalized Medicine
Classification: Likely benign. Last evaluated: 2015-10-22. Review status: criteria provided, single submitter. Criteria: LMM Criteria. Collection method: clinical testing. Allele origin: germline. Observed: 2 variant alleles.
Comment: p.Pro878Pro in exon 10 of PRDM16: This variant is not expected to have clinical significance because it does not alter an amino acid residue and is not located within the splice consensus sequence. It has been identified in 0.1% (64/64444) of European chromosomes by the Exome Aggregation Consortium (ExAC; dbSNP rs201338158).

PreventionGenetics, part of Exact Sciences
Classification: Likely benign for PRDM16-related condition. Last evaluated: 2019-05-14. Review status: no assertion criteria provided. Collection method: clinical testing. Allele origin: germline. Not counted in ClinVar's aggregate classification.
Comment: This variant is classified as likely benign based on ACMG/AMP sequence variant interpretation guidelines (Richards et al. 2015 PMID: 25741868, with internal and published modifications).

Clinical Genetics DNA and cytogenetics Diagnostics Lab, Erasmus MC, Erasmus Medical Center
Classification: Likely benign. Review status: no assertion criteria provided. Collection method: clinical testing. Allele origin: germline. Affected: yes. Study: VKGL Data-share Consensus. Not counted in ClinVar's aggregate classification.

Clinical Genetics, Academic Medical Center
Classification: Benign. Review status: no assertion criteria provided. Collection method: clinical testing. Allele origin: germline. Affected: yes. Study: VKGL Data-share Consensus. Not counted in ClinVar's aggregate classification.

Diagnostic Laboratory, Department of Genetics, University Medical Center Groningen
Classification: Likely benign. Review status: no assertion criteria provided. Collection method: clinical testing. Allele origin: germline. Affected: yes. Study: VKGL Data-share Consensus. Not counted in ClinVar's aggregate classification.

Joint Genome Diagnostic Labs from Nijmegen and Maastricht, Radboudumc and MUMC+
Classification: Benign. Review status: no assertion criteria provided. Collection method: clinical testing. Allele origin: germline. Affected: yes. Study: VKGL Data-share Consensus. Not counted in ClinVar's aggregate classification.

NM_022114.4(PRDM16):c.2634C>T (p.Pro878=)

Gene: PRDM16 (PR/SET domain 16; plus strand). Cytogenetic location: 1p36.32.
Variant type: single nucleotide variant.
Coding change: c.2634C>T on transcript NM_022114.4 (MANE Select); coding-DNA position 2634, C replaced by T.
Protein change: p.Pro878=; no amino-acid change (proline 878 retained).
Molecular consequence: synonymous variant.
Genome position (GRCh38, 1-based): chr1:3,414,590, C>T. VCF-style: chr1-3414590-C-T. GRCh37 (hg19) VCF-style: chr1-3331154-C-T.
Other names: c.2634C>T, p.Pro878= (NM_199454.3).
Identifiers: ClinVar variation 227866 (VCV000227866.58), dbSNP rs201338158, ClinGen allele CA544551.
Genomic context (GRCh38, chr1:3,414,590, plus strand): 5'-GGGTACGTAACCCTCTGTGCTGTTGTCCAGCAGGGTAGAAAAGCGGAAGGTCACAGACCC[C>T]GTGGGAGCCCTGAAGGAGAAGTACCTGCGGCCGTCCCCGCTGCTCTTCCACCCCCAGGTA-3'
Protein context (NP_071397.3, residues 868-888): SRVEKRKVTD[Pro878=]VGALKEKYLR